The following is an entry in ClinVar:

NM_022489.4(INF2):c.3059C>A (p.Ala1020Glu)

Gene: INF2 (inverted formin 2; plus strand). Cytogenetic location: 14q32.33.
Variant type: single nucleotide variant.
Coding change: c.3059C>A on transcript NM_022489.4 (MANE Select); coding-DNA position 3059, C replaced by A.
Protein change: p.Ala1020Glu; replaces alanine 1020 with glutamic acid.
Molecular consequence: missense variant.
Genome position (GRCh38, 1-based): chr14:104,714,221, C>A. VCF-style: chr14-104714221-C-A. GRCh37 (hg19) VCF-style: chr14-105180558-C-A.
Other names: c.3059C>A, p.Ala1020Glu (NM_001031714.4); short protein forms A1020E.
Identifiers: ClinVar variation 1353165 (VCV001353165.8), dbSNP rs368372551, ClinGen allele CA391223376.
Genomic context (GRCh38, chr14:104,714,221, plus strand): 5'-GGGCAGGGTGCCTGCCCTTCACTGGTGTGTCCCTCCATCCAGTGGCCACCAGTAACCCTG[C>A]AGGAGATCCCGTGGGCAGCACGCGCTGTCCCGCCTCTGAGCCCGGCCTTGATGCTACAAC-3'
Protein context (NP_071934.3, residues 1010-1030): ATEPVATSNP[Ala1020Glu]GDPVGSTRCP

ClinVar aggregate classification (germline): Uncertain significance (1 of 4 stars; one submission).

Conditions:
Focal segmental glomerulosclerosis 5 (FSGS5). Identifiers: Orphanet 656, MedGen C2750475, MONDO:0013191, OMIM 613237.
Charcot-Marie-Tooth disease dominant intermediate E. Also called: CHARCOT-MARIE-TOOTH NEUROPATHY WITH FOCAL SEGMENTAL GLOMERULONEPHRITIS. Identifiers: Orphanet 93114, MedGen C4302667, MONDO:0013758, OMIM 614455.

gnomAD v4.1: 1 of 1,547,938 alleles (0.000065%); highest among the groups gnomAD compares: Non-Finnish European, 0.000087%; no homozygotes.

Submission:

Labcorp Genetics (formerly Invitae), Labcorp
Classification: Uncertain significance for Charcot-Marie-Tooth disease dominant intermediate E; Focal segmental glomerulosclerosis 5. Last evaluated: 2021-02-15. Review status: criteria provided, single submitter. Criteria: Invitae Variant Classification Sherloc (09022015). Collection method: clinical testing. Allele origin: germline.
Comment: In summary, the available evidence is currently insufficient to determine the role of this variant in disease. Therefore, it has been classified as a Variant of Uncertain Significance. Algorithms developed to predict the effect of missense changes on protein structure and function are either unavailable or do not agree on the potential impact of this missense change (SIFT: "Tolerated"; PolyPhen-2: "Not Available"; Align-GVGD: "Class C0"). This variant has not been reported in the literature in individuals with INF2-related conditions. The frequency data for this variant in the population databases is considered unreliable, as metrics indicate insufficient coverage at this position in the ExAC database. This sequence change replaces alanine with glutamic acid at codon 1020 of the INF2 protein (p.Ala1020Glu). The alanine residue is weakly conserved and there is a moderate physicochemical difference between alanine and glutamic acid.